The following is an entry in ClinVar:

NM_001365536.1(SCN9A):c.170A>G (p.Lys57Arg)

Gene: SCN9A (sodium voltage-gated channel alpha subunit 9; minus strand). Cytogenetic location: 2q24.3.
Variant type: single nucleotide variant.
Coding change: c.170A>G on transcript NM_001365536.1 (MANE Select); coding-DNA position 170, A replaced by G.
Protein change: p.Lys57Arg; replaces lysine 57 with arginine.
Molecular consequence: missense variant.
Genome position (GRCh38, 1-based): chr2:166,311,587, T>C on the plus strand (A>G on the coding strand, the complement: SCN9A is on the minus strand). VCF-style: chr2-166311587-T-C. GRCh37 (hg19) VCF-style: chr2-167168097-T-C.
Other names: c.170A>G, p.Lys57Arg (NM_002977.4); short protein forms K57R.
Identifiers: ClinVar variation 3761181 (VCV003761181.2).

ClinVar aggregate classification (germline): Uncertain significance (1 of 4 stars; one submission).

Conditions:
Neuropathy, hereditary sensory and autonomic, type 2A (HSAN2A). Also called: HSAN IIA; ACROOSTEOLYSIS, GIACCAI TYPE; ACROOSTEOLYSIS, NEUROGENIC; MORVAN DISEASE; NEUROPATHY, CONGENITAL SENSORY; NEUROPATHY, HEREDITARY SENSORY RADICULAR, AUTOSOMAL RECESSIVE. Identifiers: Orphanet 970, MedGen C2752089, MONDO:0024309, OMIM 201300.
Generalized epilepsy with febrile seizures plus, type 7 (GEFSP7). Also called: GEFS+, TYPE 7. Identifiers: Orphanet 36387, MedGen C2751778, MONDO:0013470, OMIM 613863.

gnomAD v4.1: 1 of 1,613,282 alleles (0.000062%); highest among the groups gnomAD compares: African/African-American, 0.0013%; no homozygotes.

Submission:

Labcorp Genetics (formerly Invitae), Labcorp
Classification: Uncertain significance for Neuropathy, hereditary sensory and autonomic, type 2A; Generalized epilepsy with febrile seizures plus, type 7. Last evaluated: 2024-04-24. Review status: criteria provided, single submitter. Criteria: Invitae Variant Classification Sherloc (09022015). Collection method: clinical testing. Allele origin: germline.
Comment: This sequence change replaces lysine, which is basic and polar, with arginine, which is basic and polar, at codon 57 of the SCN9A protein (p.Lys57Arg). This variant is not present in population databases (gnomAD no frequency). This variant has not been reported in the literature in individuals affected with SCN9A-related conditions. Advanced modeling of protein sequence and biophysical properties (such as structural, functional, and spatial information, amino acid conservation, physicochemical variation, residue mobility, and thermodynamic stability) performed at Invitae indicates that this missense variant is not expected to disrupt SCN9A protein function with a negative predictive value of 95%. In summary, the available evidence is currently insufficient to determine the role of this variant in disease. Therefore, it has been classified as a Variant of Uncertain Significance.